The following is an entry in ClinVar:

ClinVar aggregate classification (germline): Benign/Likely benign. Review status: criteria provided, multiple submitters, no conflicts (2 of 4 stars). 5 submissions from 5 submitters: Benign (1); Likely benign (3). 1 of the submissions does not count toward it. Last evaluated 2026-01-27.

Conditions:
RTTN-related disorder. Also called: RTTN-related condition.
Inborn genetic diseases. Identifiers: MedGen C0950123, MeSH D030342.

Allele frequency attached by ClinVar (database versions not stated): ESP Exome Variant Server 0.00008; gnomAD 0.00019 and 0.00021; 1000 Genomes Project 0.00020; TOPMed 0.00021; gnomAD exomes 0.00027 and 0.00048; 1000 Genomes Project 30x 0.00031; ExAC 0.00041.
gnomAD v4.1: 447 of 1,607,124 alleles (0.028%); highest among the groups gnomAD compares: Middle Eastern, 0.099%; 2 homozygotes.

Submissions (5):

Labcorp Genetics (formerly Invitae), Labcorp
Classification: Benign. Last evaluated: 2026-01-27. Review status: criteria provided, single submitter. Criteria: Invitae Variant Classification Sherloc (09022015). Collection method: clinical testing. Allele origin: germline.

Ambry Genetics
Classification: Likely benign for Inborn genetic diseases. Last evaluated: 2022-05-09. Review status: criteria provided, single submitter. Criteria: Ambry Variant Classification Scheme 2023. Collection method: clinical testing. Allele origin: germline.

GeneDx
Classification: Likely benign. Last evaluated: 2019-02-13. Review status: criteria provided, single submitter. Criteria: GeneDx Variant Classification Process June 2021. Collection method: clinical testing. Allele origin: germline. Affected: yes.

Breakthrough Genomics
Classification: Likely benign. Review status: criteria provided, single submitter. Criteria: ACMG Guidelines, 2015. Collection method: not provided. Allele origin: germline. Inheritance: Autosomal recessive inheritance. Affected: yes.

PreventionGenetics, part of Exact Sciences
Classification: Benign for RTTN-related condition. Last evaluated: 2019-09-26. Review status: no assertion criteria provided. Collection method: clinical testing. Allele origin: germline. Not counted in ClinVar's aggregate classification.
Comment: This variant is classified as benign based on ACMG/AMP sequence variant interpretation guidelines (Richards et al. 2015 PMID: 25741868, with internal and published modifications).

NM_173630.4(RTTN):c.494A>C (p.Gln165Pro)

Gene: RTTN (rotatin; minus strand). Cytogenetic location: 18q22.2.
Variant type: single nucleotide variant.
Coding change: c.494A>C on transcript NM_173630.4 (MANE Select); coding-DNA position 494, A replaced by C.
Protein change: p.Gln165Pro; replaces glutamine 165 with proline.
Molecular consequence: missense variant. On other transcripts: 5 prime UTR variant (1).
Genome position (GRCh38, 1-based): chr18:70,199,498, T>G on the plus strand (A>C on the coding strand, the complement: RTTN is on the minus strand). VCF-style: chr18-70199498-T-G. GRCh37 (hg19) VCF-style: chr18-67866734-T-G.
Other names: c.-2060A>C (NM_001318520.2); short protein forms Q165P.
Identifiers: ClinVar variation 1165030 (VCV001165030.15), dbSNP rs199536536, ClinGen allele CA8996456.